The following is an entry in ClinVar:

ClinVar aggregate classification (germline): Uncertain significance (1 of 4 stars; one submission).

Conditions:
Cortical dysplasia, complex, with other brain malformations 13. Also called: Intellectual disability, autosomal dominant 13. Identifiers: MedGen C3281202, MONDO:0013805, OMIM 614563.

Submission:

Victorian Clinical Genetics Services, Murdoch Childrens Research Institute
Classification: Uncertain significance for Cortical dysplasia, complex, with other brain malformations 13. Last evaluated: 2020-06-11. Review status: criteria provided, single submitter. Criteria: ACMG Guidelines, 2015. Collection method: clinical testing. Allele origin: germline. Inheritance: Autosomal dominant inheritance.
Comment: Based on the classification scheme VCGS_Germline_v1.1.1, this variant is classified as VUS – 3C. Following criteria are met: 0103 - Both loss- and gain-of-function are known mechanisms of disease for this gene, where missense have been functionally proven to cause both mechanisms of disease (PMID: 28196890). (N) 0107 - This gene is known to be associated with autosomal dominant disease. (N) 0200 - Variant is predicted to result in a missense amino acid change from methionine to isoleucine (exon 11). (N) 0251 - Variant is heterozygous. (N) 0301 - Variant is absent from gnomAD. (P) 0309 - An alternative amino acid change at the same position has been observed in gnomAD (1 heterozygote, 0 homozygotes). (N) 0503 - Missense variant consistently predicted to be tolerated or not conserved in mammals with a minor amino acid change. (B) 0604 - Variant is not located in an established domain, motif, hotspot or informative constraint region. (N) 0708 – A comparable variant (p.Met991Val) has been reported as a VUS (ClinVar). (N) 0807 - Variant has not previously been reported in a clinical context. (N) 0905 - No segregation evidence has been identified for this variant. (N) 1007 - No published functional evidence has been identified for this variant. (N) 1208 - Inheritance information for this variant is not currently available. (N) Legend: (P) - Pathogenic, (N) - Neutral, (B) - Benign

Literature cited by the submitters: PubMed 28196890.

NM_001376.5(DYNC1H1):c.2973G>A (p.Met991Ile)

Gene: DYNC1H1 (dynein cytoplasmic 1 heavy chain 1; plus strand). Cytogenetic location: 14q32.31.
Variant type: single nucleotide variant.
Coding change: c.2973G>A on transcript NM_001376.5 (MANE Select); coding-DNA position 2973, G replaced by A.
Protein change: p.Met991Ile; replaces methionine 991 with isoleucine.
Molecular consequence: missense variant.
Genome position (GRCh38, 1-based): chr14:101,991,631, G>A. VCF-style: chr14-101991631-G-A. GRCh37 (hg19) VCF-style: chr14-102457968-G-A.
Other names: short protein forms M991I.
Identifiers: ClinVar variation 1805723 (VCV001805723.1), dbSNP rs2503708386, ClinGen allele CA391030621.
Genomic context (GRCh38, chr14:101,991,631, plus strand): 5'-GAATCCACCAATTGAAGAGTGCAGATACAAGCTGTATCAGGAAATGTTTGCCTGGAAGAT[G>A]GTTGTACTGTCTCTCCCCAGGATCCAGAGTCAGAGGTACCAGGTAAGCCTTTGGTGACTC-3'
Protein context (NP_001367.2, residues 981-1001): KLYQEMFAWK[Met991Ile]VVLSLPRIQS